The following is an entry in ClinVar:

NM_004260.4(RECQL4):c.740T>C (p.Ile247Thr)

Gene: RECQL4 (RecQ like helicase 4; minus strand). Cytogenetic location: 8q24.3.
Variant type: single nucleotide variant.
Coding change: c.740T>C on transcript NM_004260.4 (MANE Select); coding-DNA position 740, T replaced by C.
Protein change: p.Ile247Thr; replaces isoleucine 247 with threonine.
Molecular consequence: missense variant.
Genome position (GRCh38, 1-based): chr8:144,516,379, A>G on the plus strand (T>C on the coding strand, the complement: RECQL4 is on the minus strand). VCF-style: chr8-144516379-A-G. GRCh37 (hg19) VCF-style: chr8-145741763-A-G.
Other names: short protein forms I247T.
Identifiers: ClinVar variation 575326 (VCV000575326.5), dbSNP rs752673956, ClinGen allele CA4949193.

ClinVar aggregate classification (germline): Uncertain significance. Review status: criteria provided, multiple submitters, no conflicts (2 of 4 stars). 2 submissions from 2 submitters: Uncertain significance (2). Last evaluated 2025-01-17.

Conditions:
Baller-Gerold syndrome (BGS). Also called: CRANIOSYNOSTOSIS WITH RADIAL DEFECTS. Identifiers: Orphanet 1225, MedGen C0265308, MONDO:0009039, OMIM 218600.
Inborn genetic diseases. Identifiers: MedGen C0950123, MeSH D030342.

Allele frequency attached by ClinVar (database versions not stated): ExAC 0.00001; gnomAD exomes 0.00001; TOPMed 0.00002.
gnomAD v4.1: 10 of 1,610,232 alleles (0.00062%); highest among the groups gnomAD compares: Admixed American, 0.0017%; no homozygotes.

Submissions (2):

Ambry Genetics
Classification: Uncertain significance for Inborn genetic diseases. Last evaluated: 2025-01-17. Review status: criteria provided, single submitter. Criteria: Ambry Variant Classification Scheme 2023. Collection method: clinical testing. Allele origin: germline.
Comment: The p.I247T variant (also known as c.740T>C), located in coding exon 5 of the RECQL4 gene, results from a T to C substitution at nucleotide position 740. The isoleucine at codon 247 is replaced by threonine, an amino acid with similar properties. This amino acid position is conserved. In addition, this alteration is predicted to be tolerated by in silico analysis. Based on the available evidence, the clinical significance of this variant remains unclear.

Labcorp Genetics (formerly Invitae), Labcorp
Classification: Uncertain significance for Baller-Gerold syndrome. Last evaluated: 2023-09-03. Review status: criteria provided, single submitter. Criteria: Invitae Variant Classification Sherloc (09022015). Collection method: clinical testing. Allele origin: germline.
Comment: In summary, the available evidence is currently insufficient to determine the role of this variant in disease. Therefore, it has been classified as a Variant of Uncertain Significance. Advanced modeling of protein sequence and biophysical properties (such as structural, functional, and spatial information, amino acid conservation, physicochemical variation, residue mobility, and thermodynamic stability) performed at Invitae indicates that this missense variant is not expected to disrupt RECQL4 protein function. ClinVar contains an entry for this variant (Variation ID: 575326). This variant has not been reported in the literature in individuals affected with RECQL4-related conditions. This variant is present in population databases (rs752673956, gnomAD 0.006%). This sequence change replaces isoleucine, which is neutral and non-polar, with threonine, which is neutral and polar, at codon 247 of the RECQL4 protein (p.Ile247Thr).